The following is an entry in ClinVar:

NM_198947.4(FAM111B):c.1861T>G (p.Tyr621Asp)

Gene: FAM111B (FAM111 trypsin like peptidase B; plus strand). Cytogenetic location: 11q12.1.
Variant type: single nucleotide variant.
Coding change: c.1861T>G on transcript NM_198947.4 (MANE Select); coding-DNA position 1861, T replaced by G.
Protein change: p.Tyr621Asp; replaces tyrosine 621 with aspartic acid.
Molecular consequence: missense variant.
Genome position (GRCh38, 1-based): chr11:59,125,958, T>G. VCF-style: chr11-59125958-T-G. GRCh37 (hg19) VCF-style: chr11-58893431-T-G.
Other names: c.1771T>G, p.Tyr591Asp (NM_001142703.2, NM_001142704.2); short protein forms Y621D, Y591D.
Identifiers: ClinVar variation 120217 (VCV000120217.7), dbSNP rs587777236, ClinGen allele CA150785.

ClinVar aggregate classification (germline): Likely pathogenic. Review status: criteria provided, single submitter (1 of 4 stars). 3 submissions from 3 submitters: Likely pathogenic (1). 2 of the submissions do not count toward it. Last evaluated 2020-10-23.

Conditions:
Hereditary sclerosing poikiloderma with tendon and pulmonary involvement. Also called: Poikiloderma, hereditary fibrosing, with tendon contractures, myopathy, and pulmonary fibrosis. Identifiers: Orphanet 221043, MedGen C3810325, MONDO:0014310, OMIM 615704.

Submissions (3):

Institute of Medical Genetics and Applied Genomics, University Hospital Tübingen
Classification: Likely pathogenic. Last evaluated: 2020-10-23. Review status: criteria provided, single submitter. Criteria: ACMG Guidelines, 2015. Collection method: clinical testing. Allele origin: germline. Inheritance: Autosomal dominant inheritance. Affected: yes.

OMIM
Classification: Pathogenic for POIKILODERMA, HEREDITARY FIBROSING, WITH TENDON CONTRACTURES, MYOPATHY, AND PULMONARY FIBROSIS. Last evaluated: 2013-12-05. Review status: no assertion criteria provided. Collection method: literature only. Allele origin: germline. Not counted in ClinVar's aggregate classification.

GeneReviews
No classification provided. Condition: Hereditary sclerosing poikiloderma with tendon and pulmonary involvement. Review status: no classification provided. Collection method: literature only. Allele origin: germline. Not counted in ClinVar's aggregate classification.
Comment: May be associated with less severe extracutaneous phenotype. Further studies are needed.

Literature cited by the submitters: PubMed 17034542 (cited by OMIM and GeneReviews); PubMed 24268661 (cited by OMIM and GeneReviews); PubMed 26471370 (cited by GeneReviews); PubMed 26495788 (cited by GeneReviews); PubMed 27406236 (cited by GeneReviews); PubMed 27748098 (cited by GeneReviews).